The following is an entry in ClinVar:

ClinVar aggregate classification (germline): Pathogenic (1 of 4 stars; one submission).

Conditions:
Fanconi anemia (FA). Also called: Fanconi's anemia. Identifiers: Orphanet 84, MedGen C0015625, MeSH D005199, MONDO:0019391.

Submission:

Labcorp Genetics (formerly Invitae), Labcorp
Classification: Pathogenic for Fanconi anemia. Last evaluated: 2021-07-18. Review status: criteria provided, single submitter. Criteria: Invitae Variant Classification Sherloc (09022015). Collection method: clinical testing. Allele origin: germline.
Comment: This sequence change creates a premature translational stop signal (p.His1503Leufs*6) in the FANCM gene. It is expected to result in an absent or disrupted protein product. Loss-of-function variants in FANCM are known to be pathogenic (PMID: 29895858, 30075111). This variant is not present in population databases (ExAC no frequency). This variant has not been reported in the literature in individuals with FANCM-related conditions. For these reasons, this variant has been classified as Pathogenic.

Literature cited by the submitters: PubMed 29895858; PubMed 30075111.

NM_020937.4(FANCM):c.4504_4505del (p.His1503fs)

Gene: FANCM (FA complementation group M; plus strand). Cytogenetic location: 14q21.2.
Variant type: Microsatellite.
Coding change: c.4504_4505del on transcript NM_020937.4 (MANE Select); coding-DNA positions 4504 to 4505, 2 bases deleted (AG; older notation c.4504_4505delAG).
Protein change: p.His1503fs; shifts the reading frame from histidine 1503.
Molecular consequence: frameshift variant.
Genome position (GRCh38, 1-based): chr14:45,183,891-45,183,892, AG deleted; deleting any 2 consecutive bases within chr14:45,183,889-45,183,892 gives the same sequence; the c. name uses the placement nearest the transcript's 3' end. VCF-style (leftmost placement, unchanged base first): chr14-45183888-CAG-C. GRCh37 (hg19) VCF-style: chr14-45653091-CAG-C.
Other names: c.4426_4427del, p.His1477fs (NM_001308133.2); short protein forms H1477fs, H1503fs.
Identifiers: ClinVar variation 1417115 (VCV001417115.6), dbSNP rs1566775922, ClinGen allele CA613828339.